The following is an entry in ClinVar:

ClinVar aggregate classification (germline): Likely benign (1 of 4 stars; one submission).

Allele frequency attached by ClinVar (database versions not stated): ExAC 0.00002; gnomAD exomes 0.00002 and 0.00005; gnomAD 0.00003; TOPMed 0.00003; ESP Exome Variant Server 0.00008.
gnomAD v4.1: 82 of 1,613,758 alleles (0.0051%); highest among the groups gnomAD compares: Non-Finnish European, 0.006%; no homozygotes.

Submission:

GeneDx
Classification: Likely benign. Last evaluated: 2018-01-08. Review status: criteria provided, single submitter. Criteria: GeneDx Variant Classification (06012015). Collection method: clinical testing. Allele origin: germline. Affected: yes.
Comment: This variant is considered likely benign or benign based on one or more of the following criteria: it is a conservative change, it occurs at a poorly conserved position in the protein, it is predicted to be benign by multiple in silico algorithms, and/or has population frequency not consistent with disease.

NM_001330078.2(NRXN1):c.3365-109758A>G

Gene: NRXN1 (neurexin 1; minus strand). Cytogenetic location: 2p16.3.
Variant type: single nucleotide variant.
Coding change: c.3365-109758A>G on transcript NM_001330078.2 (MANE Select); 109758 bases into the intron before coding-DNA position 3365, A replaced by G.
Molecular consequence: intron variant. On other transcripts: synonymous variant (4).
Genome position (GRCh38, 1-based): chr2:50,346,728, T>C on the plus strand (A>G on the coding strand, the complement: NRXN1 is on the minus strand). VCF-style: chr2-50346728-T-C. GRCh37 (hg19) VCF-style: chr2-50573866-T-C.
Other names: c.222A>G, p.Ala74= (NM_001330091.2, NM_001330092.2, NM_001330097.2 and 1 more transcripts); c.3254-109758A>G (NM_001330096.2, NM_001330087.2); c.3299-109758A>G (NM_001330083.2, NM_001330084.2); c.3284-109758A>G (NM_001330088.2); c.3362-109758A>G (NM_001330093.2); c.3353-109758A>G (NM_001330094.2); c.3314-109758A>G (NM_001330095.2); c.3341-109758A>G (NM_001330082.2, NM_001330077.2); and 3 more.
Identifiers: ClinVar variation 516415 (VCV000516415.1), dbSNP rs142041427, ClinGen allele CA1654526.